The following is an entry in ClinVar:

ClinVar aggregate classification (germline): Uncertain significance (1 of 4 stars; one submission).

Conditions:
Werner syndrome (WRN). Identifiers: Orphanet 902, MedGen C0043119, MONDO:0010196, OMIM 277700.

Submission:

Labcorp Genetics (formerly Invitae), Labcorp
Classification: Uncertain significance for Werner syndrome. Last evaluated: 2022-05-30. Review status: criteria provided, single submitter. Criteria: Invitae Variant Classification Sherloc (09022015). Collection method: clinical testing. Allele origin: germline.
Comment: In summary, the available evidence is currently insufficient to determine the role of this variant in disease. Therefore, it has been classified as a Variant of Uncertain Significance. Algorithms developed to predict the effect of sequence changes on RNA splicing suggest that this variant may create or strengthen a splice site. Algorithms developed to predict the effect of missense changes on protein structure and function are either unavailable or do not agree on the potential impact of this missense change (SIFT: "Not Available"; PolyPhen-2: "Benign"; Align-GVGD: "Not Available"). ClinVar contains an entry for this variant (Variation ID: 845056). This variant has not been reported in the literature in individuals affected with WRN-related conditions. This variant is not present in population databases (gnomAD no frequency). This sequence change replaces serine, which is neutral and polar, with glycine, which is neutral and non-polar, at codon 1099 of the WRN protein (p.Ser1099Gly).

NM_000553.6(WRN):c.3295A>G (p.Ser1099Gly)

Gene: WRN (WRN RecQ like helicase; plus strand). Cytogenetic location: 8p12.
Variant type: single nucleotide variant.
Coding change: c.3295A>G on transcript NM_000553.6 (MANE Select); coding-DNA position 3295, A replaced by G.
Protein change: p.Ser1099Gly; replaces serine 1099 with glycine.
Molecular consequence: missense variant.
Genome position (GRCh38, 1-based): chr8:31,142,687, A>G. VCF-style: chr8-31142687-A-G. GRCh37 (hg19) VCF-style: chr8-31000203-A-G.
Other names: short protein forms S1099G.
Identifiers: ClinVar variation 845056 (VCV000845056.6), dbSNP rs1802693462, ClinGen allele CA370923478.
Genomic context (GRCh38, chr8:31,142,687, plus strand): 5'-TCGAAAACTGTATCTTCGGGCACCAAAGAGCATTGTTATAATCAAGTACCAGTTGAATTA[A>G]GTACAGAGAAGAAGGTTTGTTTTAAAGAAATTGTTCTGATTTATTTCATTCTTTATTGAT-3'
Protein context (NP_000544.2, residues 1089-1109): HCYNQVPVEL[Ser1099Gly]TEKKSNLEKL